The following is an entry in ClinVar:

NM_006648.4(WNK2):c.2173G>T (p.Ala725Ser)

Gene: WNK2 (WNK lysine deficient protein kinase 2; plus strand). Cytogenetic location: 9q22.31.
Variant type: single nucleotide variant.
Coding change: c.2173G>T on transcript NM_006648.4 (MANE Select); coding-DNA position 2173, G replaced by T.
Protein change: p.Ala725Ser; replaces alanine 725 with serine.
Molecular consequence: missense variant.
Genome position (GRCh38, 1-based): chr9:93,256,437, G>T. VCF-style: chr9-93256437-G-T. GRCh37 (hg19) VCF-style: chr9-96018719-G-T.
Other names: c.2173G>T, p.Ala725Ser (NM_001282394.3); short protein forms A725S.
Identifiers: ClinVar variation 3470120 (VCV003470120.1).

ClinVar aggregate classification (germline): Uncertain significance (1 of 4 stars; one submission).

Submission:

Ambry Genetics
Classification: Uncertain significance. Last evaluated: 2024-10-15. Review status: criteria provided, single submitter. Criteria: Ambry Variant Classification Scheme 2023. Collection method: clinical testing. Allele origin: germline.
Comment: The p.A725S variant (also known as c.2173G>T), located in coding exon 9 of the WNK2 gene, results from a G to T substitution at nucleotide position 2173. The alanine at codon 725 is replaced by serine, an amino acid with similar properties. This amino acid position is conserved. In addition, this alteration is predicted to be tolerated by in silico analysis. Based on the available evidence, the clinical significance of this variant remains unclear.